The following is an entry in ClinVar:

ClinVar aggregate classification (germline): Uncertain significance (1 of 4 stars; one submission).

Conditions:
Hereditary spastic paraplegia 75. Also called: Spastic paraplegia 75, autosomal recessive. Identifiers: Orphanet 459056, MedGen C4225250, MONDO:0014729, OMIM 616680.

Allele frequency attached by ClinVar (database versions not stated): gnomAD exomes below 0.00001.

Submission:

Labcorp Genetics (formerly Invitae), Labcorp
Classification: Uncertain significance for Hereditary spastic paraplegia 75. Last evaluated: 2022-02-17. Review status: criteria provided, single submitter. Criteria: Invitae Variant Classification Sherloc (09022015). Collection method: clinical testing. Allele origin: germline.
Comment: This sequence change replaces glutamic acid, which is acidic and polar, with alanine, which is neutral and non-polar, at codon 110 of the MAG protein (p.Glu110Ala). This variant is not present in population databases (gnomAD no frequency). This variant has not been reported in the literature in individuals affected with MAG-related conditions. Algorithms developed to predict the effect of missense changes on protein structure and function (SIFT, PolyPhen-2, Align-GVGD) all suggest that this variant is likely to be disruptive. In summary, the available evidence is currently insufficient to determine the role of this variant in disease. Therefore, it has been classified as a Variant of Uncertain Significance.

NM_002361.4(MAG):c.329A>C (p.Glu110Ala)

Gene: MAG (myelin associated glycoprotein; plus strand). Cytogenetic location: 19q13.12.
Variant type: single nucleotide variant.
Coding change: c.329A>C on transcript NM_002361.4 (MANE Select); coding-DNA position 329, A replaced by C.
Protein change: p.Glu110Ala; replaces glutamic acid 110 with alanine.
Molecular consequence: missense variant.
Genome position (GRCh38, 1-based): chr19:35,295,895, A>C. VCF-style: chr19-35295895-A-C. GRCh37 (hg19) VCF-style: chr19-35786798-A-C.
Other names: c.254A>C, p.Glu85Ala (NM_001199216.2); c.329A>C, p.Glu110Ala (NM_080600.3); short protein forms E85A, E110A.
Identifiers: ClinVar variation 2096634 (VCV002096634.4), dbSNP rs2513572942, ClinGen allele CA405305638.
Genomic context (GRCh38, chr19:35,295,895, plus strand): 5'-GCCTCCTGGGGGACCTGGGCCTGCGAAACTGCACCCTCCTGCTCAGCAACGTCAGCCCCG[A>C]GCTGGGCGGGAAGTACTACTTCCGTGGGGACCTGGGCGGCTACAACCAGTACACCTTCTC-3'
Protein context (NP_002352.1, residues 100-120): CTLLLSNVSP[Glu110Ala]LGGKYYFRGD